The following is an entry in ClinVar:

NM_003922.4(HERC1):c.7484del (p.Asn2495fs)

Gene: HERC1 (HECT and RLD domain containing E3 ubiquitin protein ligase family member 1; minus strand). Cytogenetic location: 15q22.31.
Variant type: Deletion.
Coding change: c.7484del on transcript NM_003922.4 (MANE Select); coding-DNA position 7484, one base deleted (A; older notation c.7484delA).
Protein change: p.Asn2495fs; shifts the reading frame from asparagine 2495.
Molecular consequence: frameshift variant.
Genome position (GRCh38, 1-based): chr15:63,674,704, T deleted on the plus strand (A on the coding strand, the reverse complement: HERC1 is on the minus strand); the first of 5 consecutive T bases (chr15:63,674,704-63,674,708); deleting any one gives the same sequence. VCF-style (leftmost placement, unchanged base first): chr15-63674703-GT-G. GRCh37 (hg19) VCF-style: chr15-63966902-GT-G.
Other names: p.Asn2495Thrfs*4; short protein forms N2495fs.
Identifiers: ClinVar variation 4532259 (VCV004532259.1).

ClinVar aggregate classification (germline): Likely pathogenic (1 of 4 stars; one submission).

Conditions:
Macrocephaly, dysmorphic facies, and psychomotor retardation (MDFPMR). Identifiers: Orphanet 457359, MedGen C4310766, MONDO:0014863, OMIM 617011.

Submission:

Department of Molecular Genetics, Istishari Arab Hospital
Classification: Likely pathogenic for Macrocephaly, dysmorphic facies, and psychomotor retardation. Last evaluated: 2025-11-27. Review status: criteria provided, single submitter. Criteria: ACMG Guidelines, 2015. Collection method: clinical testing. Allele origin: germline. Inheritance: Autosomal recessive inheritance. Affected: yes.
Comment: The HERC1 variant c.7484del, p.Asn2495Thrfs*4 creates a shift in the reading frame at position 2495, resulting in a premature stop codon after 4 codons downstream. This frameshift variant is predicted to result in a loss or disruption of normal protein function through nonsense-mediated decay (NMD) or protein truncation. This variant is not observed in the gnomAD v4.1.0 dataset and has not been previously described in the literature. It is classified as likely pathogenic (class 2) according to the recommendations of ACMG/AMP/ClinGen SVI guidelines.